The following is an entry in ClinVar:

NM_004104.5(FASN):c.4466G>A (p.Gly1489Asp)

Gene: FASN (fatty acid synthase; minus strand). Cytogenetic location: 17q25.3.
Variant type: single nucleotide variant.
Coding change: c.4466G>A on transcript NM_004104.5 (MANE Select); coding-DNA position 4466, G replaced by A.
Protein change: p.Gly1489Asp; replaces glycine 1489 with aspartic acid.
Molecular consequence: missense variant.
Genome position (GRCh38, 1-based): chr17:82,084,897, C>T on the plus strand (G>A on the coding strand, the complement: FASN is on the minus strand). VCF-style: chr17-82084897-C-T. GRCh37 (hg19) VCF-style: chr17-80042773-C-T.
Other names: short protein forms G1489D.
Identifiers: ClinVar variation 530998 (VCV000530998.10), dbSNP rs368486805, ClinGen allele CA8852036.

ClinVar aggregate classification (germline): Uncertain significance (1 of 4 stars; one submission).

Conditions:
Epileptic encephalopathy. Identifiers: MedGen C0543888, HP:0200134.

Allele frequency attached by ClinVar (database versions not stated): gnomAD exomes 0.00001 and 0.00003; ExAC 0.00005; gnomAD 0.00007 and 0.00009; ESP Exome Variant Server 0.00008; TOPMed 0.00011.
gnomAD v4.1: 24 of 1,551,300 alleles (0.0015%); highest among the groups gnomAD compares: African/African-American, 0.03%; no homozygotes.

Submission:

Labcorp Genetics (formerly Invitae), Labcorp
Classification: Uncertain significance for Epileptic encephalopathy. Last evaluated: 2025-11-27. Review status: criteria provided, single submitter. Criteria: Invitae Variant Classification Sherloc (09022015). Collection method: clinical testing. Allele origin: germline.
Comment: This sequence change replaces glycine, which is neutral and non-polar, with aspartic acid, which is acidic and polar, at codon 1489 of the FASN protein (p.Gly1489Asp). This variant is present in population databases (rs368486805, gnomAD 0.04%). This variant has not been reported in the literature in individuals affected with FASN-related conditions. ClinVar contains an entry for this variant (Variation ID: 530998). An algorithm developed to predict the effect of missense changes on protein structure and function (PolyPhen-2) suggests that this variant is likely to be tolerated. In summary, the available evidence is currently insufficient to determine the role of this variant in disease. Therefore, it has been classified as a Variant of Uncertain Significance.